The following is an entry in ClinVar:

NM_005045.4(RELN):c.3847G>T (p.Asp1283Tyr)

Gene: RELN (reelin; minus strand). Cytogenetic location: 7q22.1.
Variant type: single nucleotide variant.
Coding change: c.3847G>T on transcript NM_005045.4 (MANE Select); coding-DNA position 3847, G replaced by T.
Protein change: p.Asp1283Tyr; replaces aspartic acid 1283 with tyrosine.
Molecular consequence: missense variant.
Genome position (GRCh38, 1-based): chr7:103,593,747, C>A on the plus strand (G>T on the coding strand, the complement: RELN is on the minus strand). VCF-style: chr7-103593747-C-A. GRCh37 (hg19) VCF-style: chr7-103234194-C-A.
Other names: c.3847G>T, p.Asp1283Tyr (NM_173054.3); short protein forms D1283Y.
Identifiers: ClinVar variation 3360208 (VCV003360208.1).

ClinVar aggregate classification (germline): Uncertain significance (1 of 4 stars; one submission).

Submission:

GeneDx
Classification: Uncertain significance. Last evaluated: 2023-06-22. Review status: criteria provided, single submitter. Criteria: GeneDx Variant Classification Process June 2021. Collection method: clinical testing. Allele origin: germline. Affected: yes.
Comment: Not observed at significant frequency in large population cohorts (gnomAD); In silico analysis supports that this missense variant has a deleterious effect on protein structure/function; Has not been previously published as pathogenic or benign to our knowledge